The following is an entry in ClinVar:

ClinVar aggregate classification (germline): Uncertain significance (1 of 4 stars; one submission).

Conditions:
Scalp-ear-nipple syndrome (SENS). Also called: FINLAY-MARKS SYNDROME; Hereditary syndrome of lumpy scalp, odd ears and rudimentary nipples; SEN SYNDROME. Identifiers: Orphanet 2036, MedGen C1867020, MONDO:0008404, OMIM 181270.

Submission:

3billion
Classification: Uncertain significance for Scalp-ear-nipple syndrome. Last evaluated: 2025-09-08. Review status: criteria provided, single submitter. Criteria: ACMG Guidelines, 2015. Collection method: clinical testing. Allele origin: germline. Affected: yes.
Comment: The variant is not observed in the gnomAD v4.1.0 dataset. Predicted Consequence/Location: The variant is located in a mutational hot spot and/or well-established functional domain in which established pathogenic variants have been reported. Missense variant. Missense changes are a common disease-causing mechanism. In silico tool predictions suggest damaging effect of the variant on gene or gene product [3Cnet: 0.94 (> 0.75, sensitivity 0.96 and precision 0.92)]. Therefore, this variant is classified as VUS according to the recommendation of ACMG/AMP guideline.

NM_001142730.3(KCTD1):c.1970C>G (p.Thr657Ser)

Gene: KCTD1 (potassium channel tetramerization domain containing 1; minus strand). Cytogenetic location: 18q11.2.
Variant type: single nucleotide variant.
Coding change: c.1970C>G on transcript NM_001142730.3 (MANE Select); coding-DNA position 1970, C replaced by G.
Protein change: p.Thr657Ser; replaces threonine 657 with serine.
Molecular consequence: missense variant.
Genome position (GRCh38, 1-based): chr18:26,501,090, G>C on the plus strand (C>G on the coding strand, the complement: KCTD1 is on the minus strand). VCF-style: chr18-26501090-G-C. GRCh37 (hg19) VCF-style: chr18-24081054-G-C.
Other names: c.146C>G, p.Thr49Ser (NM_001136205.2, NM_001258221.2, NM_001351443.1 and 1 more transcripts); c.170C>G, p.Thr57Ser (NM_001258222.3); short protein forms T49S, T57S, T657S.
Identifiers: ClinVar variation 4854787 (VCV004854787.1).
Genomic context (GRCh38, chr18:26,501,090, plus strand): 5'-TACATGCACGTCGGAGTCTGATTTTTCAGTTTTTCAGATTACCTGGATTCAGGGTATTTG[G>C]TGAGGGTGGCCAGGCTGCTGGTGTACATGTGGCCGCCCACATCAATGTGGACAGGCGCAT-3'
Protein context (NP_001136202.1, residues 647-667): HMYTSSLATL[Thr657Ser]KYPESRIGRL